The following is an entry in ClinVar:

ClinVar aggregate classification (germline): Likely pathogenic (1 of 4 stars; one submission).

Conditions:
Cardiovascular phenotype. Identifiers: MedGen CN230736.

Submission:

Ambry Genetics
Classification: Likely pathogenic for Cardiovascular phenotype. Last evaluated: 2024-02-16. Review status: criteria provided, single submitter. Criteria: Ambry Variant Classification Scheme 2023. Collection method: clinical testing. Allele origin: germline.
Comment: The c.60646_60647delAG variant, located in coding exon 156 of the TTN gene, results from a deletion of two nucleotides at nucleotide positions 60646 to 60647, causing a translational frameshift with a predicted alternate stop codon (p.S20216Yfs*28). This exon is located in the A-band region of the N2-B isoform of the titin protein and is constitutively expressed in TTN transcripts (percent spliced in or PSI 100%). This variant is considered to be rare based on population cohorts in the Genome Aggregation Database (gnomAD). This alteration is expected to result in loss of function by premature protein truncation or nonsense-mediated mRNA decay. While truncating variants in TTN are present in 1-3% of the general population, truncating variants in the A-band are the most common cause of dilated cardiomyopathy (DCM) (Herman DS et al. N. Engl. J. Med., 2012 Feb;366:619-28; Roberts AM et al. Sci Transl Med, 2015 Jan;7:270ra6). TTN truncating variants encoded in constitutive exons (PSI >90%) have been found to be significantly associated with DCM regardless of their position in titin (Schafer S et al. Nat. Genet., 2017 01;49:46-53). Based on the majority of available evidence to date, this variant is likely to be pathogenic.

NM_001267550.2(TTN):c.87841_87842del (p.Ser29281fs)

Genes: TTN (titin; minus strand), TTN-AS1 (TTN antisense RNA 1; plus strand). Cytogenetic location: 2q31.2.
Variant type: Deletion.
Coding change: c.87841_87842del on transcript NM_001267550.2 (MANE Select); coding-DNA positions 87841 to 87842, 2 bases deleted (AG; older notation c.87841_87842delAG).
Protein change: p.Ser29281fs; shifts the reading frame from serine 29281.
Molecular consequence: frameshift variant.
Genome position (GRCh38, 1-based): chr2:178,557,420-178,557,421, CT deleted on the plus strand (AG on the coding strand, the reverse complement: TTN is on the minus strand). VCF-style (leftmost placement, unchanged base first): chr2-178557419-ACT-A. GRCh37 (hg19) VCF-style: chr2-179422146-ACT-A.
Other names: c.82918_82919del, p.Ser27640fs (NM_001256850.1); c.60646_60647del, p.Ser20216fs (NM_003319.4); c.80137_80138del, p.Ser26713fs (NM_133378.4); c.61021_61022del, p.Ser20341fs (NM_133432.3); c.61222_61223del, p.Ser20408fs (NM_133437.4); c.60646_60647delAG (NM_003319.4); short protein forms S20408fs, S26713fs, S20216fs, S20341fs, S27640fs, S29281fs.
Identifiers: ClinVar variation 1751344 (VCV001751344.3), dbSNP rs2469527656, ClinGen allele CA2580064738.